The following is an entry in ClinVar:

NM_019042.5(PUS7):c.1155C>A (p.Val385=)

Gene: PUS7 (pseudouridine synthase 7; minus strand). Cytogenetic location: 7q22.3.
Variant type: single nucleotide variant.
Coding change: c.1155C>A on transcript NM_019042.5 (MANE Select); coding-DNA position 1155, C replaced by A.
Protein change: p.Val385=; no amino-acid change (valine 385 retained).
Molecular consequence: synonymous variant.
Genome position (GRCh38, 1-based): chr7:105,481,072, G>T on the plus strand (C>A on the coding strand, the complement: PUS7 is on the minus strand). VCF-style: chr7-105481072-G-T. GRCh37 (hg19) VCF-style: chr7-105121519-G-T.
Other names: c.1173C>A, p.Val391= (NM_001318163.1); c.1155C>A, p.Val385= (NM_001318164.2).
Identifiers: ClinVar variation 715610 (VCV000715610.28), dbSNP rs137934853, ClinGen allele CA4425962.
Genomic context (GRCh38, chr7:105,481,072, plus strand): 5'-ATGAGAAAGCTATTTTTGATAAAAGAAATTAAATACCAACCTTCCAACCTGATACGTAGG[G>T]ACAGCTGTGGTTCCAAATCTTTGCATTCCATAGTAGTTAATAAATCCAATCTCCTTGAGA-3'
Protein context (NP_061915.2, residues 375-395): YGMQRFGTTA[Val385=]PTYQVGRAIL

ClinVar aggregate classification (germline): Likely benign. Review status: criteria provided, multiple submitters, no conflicts (2 of 4 stars). 3 submissions from 3 submitters: Likely benign (2). 1 of the submissions does not count toward it. Last evaluated 2022-11-01.

Conditions:
PUS7-related disorder. Also called: PUS7-related condition.

Allele frequency attached by ClinVar (database versions not stated): gnomAD exomes 0.00005 and 0.00018; ExAC 0.00025; 1000 Genomes Project 30x 0.00031; 1000 Genomes Project 0.00040; ESP Exome Variant Server 0.00062; TOPMed 0.00070; gnomAD 0.00074 and 0.00080.
gnomAD v4.1: 194 of 1,611,458 alleles (0.012%); highest among the groups gnomAD compares: African/African-American, 0.22%; 1 homozygote.

Submissions (3):

CeGaT Center for Human Genetics Tuebingen
Classification: Likely benign. Last evaluated: 2022-11-01. Review status: criteria provided, single submitter. Criteria: CeGaT Center For Human Genetics Tuebingen Variant Classification Criteria Version 2. Collection method: clinical testing. Allele origin: germline. Affected: yes. Observed: 1 variant allele.
Comment: PUS7: BP4, BP7

Labcorp Genetics (formerly Invitae), Labcorp
Classification: Likely benign. Last evaluated: 2018-12-20. Review status: criteria provided, single submitter. Criteria: Invitae Variant Classification Sherloc (09022015). Collection method: clinical testing. Allele origin: germline.

PreventionGenetics, part of Exact Sciences
Classification: Likely benign for PUS7-related condition. Last evaluated: 2019-09-19. Review status: no assertion criteria provided. Collection method: clinical testing. Allele origin: germline. Not counted in ClinVar's aggregate classification.
Comment: This variant is classified as likely benign based on ACMG/AMP sequence variant interpretation guidelines (Richards et al. 2015 PMID: 25741868, with internal and published modifications).